The following is an entry in ClinVar:

NM_001385012.1(NBEA):c.4408C>G (p.Gln1470Glu)

Gene: NBEA (neurobeachin; plus strand). Cytogenetic location: 13q13.3.
Variant type: single nucleotide variant.
Coding change: c.4408C>G on transcript NM_001385012.1 (MANE Select); coding-DNA position 4408, C replaced by G.
Protein change: p.Gln1470Glu; replaces glutamine 1470 with glutamic acid.
Molecular consequence: missense variant.
Genome position (GRCh38, 1-based): chr13:35,171,437, C>G. VCF-style: chr13-35171437-C-G. GRCh37 (hg19) VCF-style: chr13-35745574-C-G.
Other names: c.4399C>G, p.Gln1467Glu (NM_001379245.1); c.4408C>G, p.Gln1470Glu (NM_015678.5); short protein forms Q1467E, Q1470E.
Identifiers: ClinVar variation 2662919 (VCV002662919.1), dbSNP rs2070454596, ClinGen allele CA387842112.

ClinVar aggregate classification (germline): Uncertain significance (1 of 4 stars; one submission).

Submission:

GeneDx
Classification: Uncertain significance. Last evaluated: 2023-04-04. Review status: criteria provided, single submitter. Criteria: GeneDx Variant Classification Process June 2021. Collection method: clinical testing. Allele origin: germline. Affected: yes.
Comment: Not observed at significant frequency in large population cohorts (gnomAD); In silico analysis supports that this missense variant has a deleterious effect on protein structure/function; Has not been previously published as pathogenic or benign to our knowledge